The following is an entry in ClinVar:

ClinVar aggregate classification (germline): Uncertain significance. Review status: criteria provided, multiple submitters, no conflicts (2 of 4 stars). 2 submissions from 2 submitters: Uncertain significance (2). Last evaluated 2026-07-01.

Conditions:
Glycogen storage disease, type II (IOPD). Also called: CARDIOMEGALIA GLYCOGENICA DIFFUSA; GLYCOGEN STORAGE DISEASE II, INFANTILE-ONSET; POMPE DISEASE, INFANTILE-ONSET; ACID ALPHA-GLUCOSIDASE DEFICIENCY, INFANTILE-ONSET; GAA DEFICIENCY, INFANTILE-ONSET; ACID MALTASE DEFICIENCY, INFANTILE-ONSET. Identifiers: Orphanet 365, MedGen C0017921, MONDO:0009290, OMIM 232300.

Submissions (2):

Genomenon, Inc
Classification: Uncertain significance for Glycogen storage disease, type II. Last evaluated: 2026-07-01. Review status: criteria provided, single submitter. Criteria: Genomenon Sequence Variant Interpretation Standards - Updated. Collection method: curation. Allele origin: germline. Affected: no.
Comment: GAA p.Asp741Val (c.2222A>T) is a missense variant that changes the amino acid at codon 741 from Aspartic acid to Valine. This variant has been reported in the published literature (PMID:33560568). It is absent or not present at a significant frequency in gnomAD. In silico models predict that this variant is possibly or probably damaging. In conclusion, we classify GAA p.Asp741Val (c.2222A>T) as a variant of uncertain significance.

Eurofins Ntd Llc (ga)
Classification: Uncertain significance. Last evaluated: 2016-09-06. Review status: criteria provided, single submitter. Criteria: EGL Classification Definitions 2015. Collection method: clinical testing. Allele origin: germline. Observed: 1 variant allele, 1 heterozygote.

Literature cited by the submitters: PubMed 33560568 (cited by Genomenon, Inc).

NM_000152.5(GAA):c.2222A>T (p.Asp741Val)

Gene: GAA (alpha glucosidase; plus strand). Cytogenetic location: 17q25.3.
Variant type: single nucleotide variant.
Coding change: c.2222A>T on transcript NM_000152.5 (MANE Select); coding-DNA position 2222, A replaced by T.
Protein change: p.Asp741Val; replaces aspartic acid 741 with valine.
Molecular consequence: missense variant.
Genome position (GRCh38, 1-based): chr17:80,117,000, A>T. VCF-style: chr17-80117000-A-T. GRCh37 (hg19) VCF-style: chr17-78090799-A-T.
Other names: c.2222A>T, p.Asp741Val (NM_001079803.3, NM_001079804.3); short protein forms D741V.
Identifiers: ClinVar variation 291139 (VCV000291139.6), dbSNP rs886044665, ClinGen allele CA10607034.
Genomic context (GRCh38, chr17:80,117,000, plus strand): 5'-TATGCCTGTGTGCCCATCCCCCTTGCAGGTTCCCCAAGGACTCTAGCACCTGGACTGTGG[A>T]CCACCAGCTCCTGTGGGGGGAGGCCCTGCTCATCACCCCAGTGCTCCAGGCCGGGAAGGC-3'
Protein context (NP_000143.2, residues 731-751): FPKDSSTWTV[Asp741Val]HQLLWGEALL